The following is an entry in ClinVar:

NM_014629.4(ARHGEF10):c.2065G>A (p.Ala689Thr)

Gene: ARHGEF10 (Rho guanine nucleotide exchange factor 10; plus strand). Cytogenetic location: 8p23.3.
Variant type: single nucleotide variant.
Coding change: c.2065G>A on transcript NM_014629.4 (MANE Select); coding-DNA position 2065, G replaced by A.
Protein change: p.Ala689Thr; replaces alanine 689 with threonine.
Molecular consequence: missense variant.
Genome position (GRCh38, 1-based): chr8:1,909,392, G>A. VCF-style: chr8-1909392-G-A. GRCh37 (hg19) VCF-style: chr8-1857558-G-A.
Other names: c.1951G>A, p.Ala651Thr (NM_001308152.2); c.2065G>A, p.Ala689Thr (NM_001308153.3); short protein forms A651T, A689T, A713T.
Identifiers: ClinVar variation 2658303 (VCV002658303.28), dbSNP rs199578912, ClinGen allele CA4600695.
Genomic context (GRCh38, chr8:1,909,392, plus strand): 5'-TACTTGCTGAAGTGGAGCGTTCCACTGGGACATGTGGACGCCATCGAGTATGGCAGCAGC[G>A]CAGGCACGGGCGAGCACAGCAGGCACCTTGCCGTTCACCCGCCGGAGAGCCTGGCCGTGG-3'
Protein context (NP_055444.2, residues 679-699): HVDAIEYGSS[Ala689Thr]GTGEHSRHLA

ClinVar aggregate classification (germline): Likely benign. Review status: criteria provided, multiple submitters, no conflicts (2 of 4 stars). 3 submissions from 3 submitters: Likely benign (3). Last evaluated 2025-08-11.

Allele frequency attached by ClinVar (database versions not stated): TOPMed 0.00007; gnomAD exomes 0.00018; ExAC 0.00032; gnomAD 0.00036.
gnomAD v4.1: 316 of 1,614,006 alleles (0.02%); highest among the groups gnomAD compares: East Asian, 0.036%; 1 homozygote.

Submissions (3):

Labcorp Genetics (formerly Invitae), Labcorp
Classification: Likely benign. Last evaluated: 2025-08-11. Review status: criteria provided, single submitter. Criteria: Invitae Variant Classification Sherloc (09022015). Collection method: clinical testing. Allele origin: germline.

CeGaT Center for Human Genetics Tuebingen
Classification: Likely benign. Last evaluated: 2022-08-01. Review status: criteria provided, single submitter. Criteria: CeGaT Center For Human Genetics Tuebingen Variant Classification Criteria Version 2. Collection method: clinical testing. Allele origin: germline. Affected: yes. Observed: 1 variant allele.
Comment: ARHGEF10: BP4, BS1

Breakthrough Genomics
Classification: Likely benign. Review status: criteria provided, single submitter. Criteria: ACMG Guidelines, 2015. Collection method: not provided. Allele origin: germline. Inheritance: Autosomal dominant inheritance. Affected: yes.